The following is an entry in ClinVar:

NM_001017995.3(SH3PXD2B):c.*2798T>C

Gene: SH3PXD2B (SH3 and PX domains 2B; minus strand). Cytogenetic location: 5q35.1.
Variant type: single nucleotide variant.
Coding change: c.*2798T>C on transcript NM_001017995.3 (MANE Select); 2798 bases downstream of the stop codon, T replaced by C.
Molecular consequence: 3 prime UTR variant. On other transcripts: intron variant (1).
Genome position (GRCh38, 1-based): chr5:172,335,571, A>G on the plus strand (T>C on the coding strand, the complement: SH3PXD2B is on the minus strand). VCF-style: chr5-172335571-A-G. GRCh37 (hg19) VCF-style: chr5-171762575-A-G.
Other names: c.1189-10191T>C (NM_001308175.2).
Identifiers: ClinVar variation 352755 (VCV000352755.5), dbSNP rs2339428, ClinGen allele CA10621290.

ClinVar aggregate classification (germline): Benign (1 of 4 stars; one submission).

Conditions:
Frank-Ter Haar syndrome. Also called: BORRONE DERMATOCARDIOSKELETAL SYNDROME; TER HAAR SYNDROME; MELNICK-NEEDLES SYNDROME, AUTOSOMAL RECESSIVE; Borrone di Rocco Crovato syndrome. Identifiers: Orphanet 1266, Orphanet 137834, MedGen C1855305, MONDO:0009579, OMIM 249420.

Allele frequency attached by ClinVar (database versions not stated): gnomAD 0.52906 and 0.53520; TOPMed 0.53104; 1000 Genomes Project 0.56470; 1000 Genomes Project 30x 0.56480.
gnomAD v4.1: 653,906 of 1,231,542 alleles (53%); highest among the groups gnomAD compares: South Asian, 74%; 174,584 homozygotes.

Submission:

Illumina Laboratory Services, Illumina
Classification: Benign for Frank-Ter Haar syndrome. Last evaluated: 2018-01-13. Review status: criteria provided, single submitter. Criteria: ICSL Variant Classification Criteria 13 December 2019. Collection method: clinical testing. Allele origin: germline.
Comment: This variant was observed in the ICSL laboratory as part of a predisposition screen in an ostensibly healthy population. It had not been previously curated by ICSL or reported in the Human Gene Mutation Database (HGMD: prior to June 1st, 2018), and was therefore a candidate for classification through an automated scoring system. Utilizing variant allele frequency, disease prevalence and penetrance estimates, and inheritance mode, an automated score was calculated to assess if this variant is too frequent to cause the disease. Based on the score and internal cut-off values, a variant classified as benign is not then subjected to further curation. The score for this variant resulted in a classification of benign for this disease.